The following is an entry in ClinVar:

ClinVar aggregate classification (germline): Uncertain significance. Review status: criteria provided, multiple submitters, no conflicts (2 of 4 stars). 2 submissions from 2 submitters: Uncertain significance (2). Last evaluated 2025-08-05.

Conditions:
Inborn genetic diseases. Identifiers: MedGen C0950123, MeSH D030342.

gnomAD v4.1: 2 of 1,614,234 alleles (0.00012%); highest among the groups gnomAD compares: Non-Finnish European, 0.00017%; no homozygotes.

Submissions (2):

Ambry Genetics
Classification: Uncertain significance for Inborn genetic diseases. Last evaluated: 2025-08-05. Review status: criteria provided, single submitter. Criteria: Ambry Variant Classification Scheme 2023. Collection method: clinical testing. Allele origin: germline.

Women's Health and Genetics/Laboratory Corporation of America, LabCorp
Classification: Uncertain significance. Last evaluated: 2024-06-03. Review status: criteria provided, single submitter. Criteria: LabCorp Variant Classification Summary - May 2015. Collection method: clinical testing. Allele origin: germline.
Comment: Variant summary: ATP7B c.2251G>A (p.Ala751Thr) results in a non-conservative amino acid change in the P-type ATPase, subfamily IB domain (IPR027256) in the encoded protein sequence. Four of five in-silico tools predict a damaging effect of the variant on protein function. The variant allele was found at a frequency of 4e-06 in 249584 control chromosomes. The available data on variant occurrences in the general population are insufficient to allow any conclusion about variant significance. To our knowledge, no occurrence of c.2251G>A in individuals affected with Wilson Disease and no experimental evidence demonstrating its impact on protein function have been reported. No submitters have cited clinical-significance assessments for this variant to ClinVar. Based on the evidence outlined above, the variant was classified as uncertain significance.

NM_000053.4(ATP7B):c.2251G>A (p.Ala751Thr)

Gene: ATP7B (ATPase copper transporting beta; minus strand). Cytogenetic location: 13q14.3.
Variant type: single nucleotide variant.
Coding change: c.2251G>A on transcript NM_000053.4 (MANE Select); coding-DNA position 2251, G replaced by A.
Protein change: p.Ala751Thr; replaces alanine 751 with threonine.
Molecular consequence: missense variant. On other transcripts: intron variant (20).
Genome position (GRCh38, 1-based): chr13:51,958,415, C>T on the plus strand (G>A on the coding strand, the complement: ATP7B is on the minus strand). VCF-style: chr13-51958415-C-T. GRCh37 (hg19) VCF-style: chr13-52532551-C-T.
Other names: c.1918G>A, p.Ala640Thr (NM_001243182.2); c.1999G>A, p.Ala667Thr (NM_001330579.2, NM_001406531.1, NM_001406532.1 and 1 more transcripts); c.2251G>A, p.Ala751Thr (NM_001406511.1, NM_001406512.1, NM_001406513.1 and 7 more transcripts); c.2218G>A, p.Ala740Thr (NM_001406514.1); c.2155G>A, p.Ala719Thr (NM_001406517.1, NM_001406518.1); c.1822G>A, p.Ala608Thr (NM_001406539.1); c.1903G>A, p.Ala635Thr (NM_001406543.1); c.1870-808G>A (NM_001406541.1, NM_001005918.3, NM_001406546.1 and 1 more transcripts); and 9 more; short protein forms A608T, A635T, A640T, A667T, A719T, A740T, A751T.
Identifiers: ClinVar variation 3339769 (VCV003339769.2).